The following is an entry in ClinVar:

ClinVar aggregate classification (germline): Uncertain significance (1 of 4 stars; one submission).

Submission:

Labcorp Genetics (formerly Invitae), Labcorp
Classification: Uncertain significance. Last evaluated: 2022-10-13. Review status: criteria provided, single submitter. Criteria: Invitae Variant Classification Sherloc (09022015). Collection method: clinical testing. Allele origin: germline.
Comment: In summary, the available evidence is currently insufficient to determine the role of this variant in disease. Therefore, it has been classified as a Variant of Uncertain Significance. Algorithms developed to predict the effect of missense changes on protein structure and function are either unavailable or do not agree on the potential impact of this missense change (SIFT: "Tolerated"; PolyPhen-2: "Possibly Damaging"; Align-GVGD: "Class C0"). This variant has not been reported in the literature in individuals affected with AHR-related conditions. This variant is not present in population databases (gnomAD no frequency). This sequence change replaces aspartic acid, which is acidic and polar, with alanine, which is neutral and non-polar, at codon 718 of the AHR protein (p.Asp718Ala).

NM_001621.5(AHR):c.2153A>C (p.Asp718Ala)

Gene: AHR (aryl hydrocarbon receptor; plus strand). Cytogenetic location: 7p21.1.
Variant type: single nucleotide variant.
Coding change: c.2153A>C on transcript NM_001621.5 (MANE Select); coding-DNA position 2153, A replaced by C.
Protein change: p.Asp718Ala; replaces aspartic acid 718 with alanine.
Molecular consequence: missense variant.
Genome position (GRCh38, 1-based): chr7:17,339,978, A>C. VCF-style: chr7-17339978-A-C. GRCh37 (hg19) VCF-style: chr7-17379602-A-C.
Other names: short protein forms D718A.
Identifiers: ClinVar variation 1998729 (VCV001998729.4), dbSNP rs2534451729, ClinGen allele CA366896237.